The following is an entry in ClinVar:

ClinVar aggregate classification (germline): Uncertain significance (1 of 4 stars; one submission).

Conditions:
RASopathy. Also called: rasopathies; Noonan spectrum disorder. Identifiers: Orphanet 536391, MedGen C5555857, MONDO:0021060.

Allele frequency attached by ClinVar (database versions not stated): ExAC 0.00001.

Submission:

Labcorp Genetics (formerly Invitae), Labcorp
Classification: Uncertain significance for RASopathy. Last evaluated: 2023-03-23. Review status: criteria provided, single submitter. Criteria: Invitae Variant Classification Sherloc (09022015). Collection method: clinical testing. Allele origin: germline.
Comment: This sequence change replaces threonine, which is neutral and polar, with asparagine, which is neutral and polar, at codon 605 of the SOS1 protein (p.Thr605Asn). This variant is present in population databases (rs755371745, gnomAD 0.007%). This variant has not been reported in the literature in individuals affected with SOS1-related conditions. Advanced modeling of protein sequence and biophysical properties (such as structural, functional, and spatial information, amino acid conservation, physicochemical variation, residue mobility, and thermodynamic stability) performed at Invitae indicates that this missense variant is expected to disrupt SOS1 protein function. In summary, the available evidence is currently insufficient to determine the role of this variant in disease. Therefore, it has been classified as a Variant of Uncertain Significance.

NM_005633.4(SOS1):c.1814C>A (p.Thr605Asn)

Gene: SOS1 (SOS Ras/Rac guanine nucleotide exchange factor 1; minus strand). Cytogenetic location: 2p22.1.
Variant type: single nucleotide variant.
Coding change: c.1814C>A on transcript NM_005633.4 (MANE Select); coding-DNA position 1814, C replaced by A.
Protein change: p.Thr605Asn; replaces threonine 605 with asparagine.
Molecular consequence: missense variant.
Genome position (GRCh38, 1-based): chr2:39,022,614, G>T on the plus strand (C>A on the coding strand, the complement: SOS1 is on the minus strand). VCF-style: chr2-39022614-G-T. GRCh37 (hg19) VCF-style: chr2-39249755-G-T.
Other names: c.1793C>A, p.Thr598Asn (NM_001382394.1); c.1814C>A, p.Thr605Asn (NM_001382395.1); short protein forms T605N, T598N.
Identifiers: ClinVar variation 2899427 (VCV002899427.3), dbSNP rs755371745, ClinGen allele CA1624548.
Genomic context (GRCh38, chr2:39,022,614, plus strand): 5'-ACTGCATAATTCTTACCTGCGTACATATGGTACGTAAGCCTCTCTATAAGTTTAATAACA[G>T]TTCCTGCTTTGATAATTGGAATTCCAGCCTTGGGCTGCATGTTCTCTTCAAATATAATAT-3'
Protein context (NP_005624.2, residues 595-615): KAGIPIIKAG[Thr605Asn]VIKLIERLTY